The following is an entry in ClinVar:

NM_005033.3(EXOSC9):c.188T>G (p.Leu63Arg)

Gene: EXOSC9 (exosome component 9; plus strand). Cytogenetic location: 4q27.
Variant type: single nucleotide variant.
Coding change: c.188T>G on transcript NM_005033.3 (MANE Select); coding-DNA position 188, T replaced by G.
Protein change: p.Leu63Arg; replaces leucine 63 with arginine.
Molecular consequence: missense variant.
Genome position (GRCh38, 1-based): chr4:121,802,700, T>G. VCF-style: chr4-121802700-T-G. GRCh37 (hg19) VCF-style: chr4-122723855-T-G.
Other names: c.188T>G, p.Leu63Arg (NM_001034194.2); short protein forms L63R.
Identifiers: ClinVar variation 2124215 (VCV002124215.4), dbSNP rs771456914, ClinGen allele CA358041830.

ClinVar aggregate classification (germline): Uncertain significance (1 of 4 stars; one submission).

Allele frequency attached by ClinVar (database versions not stated): gnomAD exomes 0.00001.

Submission:

Labcorp Genetics (formerly Invitae), Labcorp
Classification: Uncertain significance. Last evaluated: 2022-10-17. Review status: criteria provided, single submitter. Criteria: Invitae Variant Classification Sherloc (09022015). Collection method: clinical testing. Allele origin: germline.
Comment: This sequence change replaces leucine, which is neutral and non-polar, with arginine, which is basic and polar, at codon 63 of the EXOSC9 protein (p.Leu63Arg). This variant is present in population databases (no rsID available, gnomAD 0.0009%). This variant has not been reported in the literature in individuals affected with EXOSC9-related conditions. Advanced modeling of protein sequence and biophysical properties (such as structural, functional, and spatial information, amino acid conservation, physicochemical variation, residue mobility, and thermodynamic stability) performed at Invitae indicates that this missense variant is expected to disrupt EXOSC9 protein function. In summary, the available evidence is currently insufficient to determine the role of this variant in disease. Therefore, it has been classified as a Variant of Uncertain Significance.